The following is an entry in ClinVar:

NM_001042492.3(NF1):c.4557_4558delinsTA (p.Gln1520Lys)

Gene: NF1 (neurofibromin 1; plus strand). Cytogenetic location: 17q11.2.
Variant type: Indel.
Coding change: c.4557_4558delinsTA on transcript NM_001042492.3 (MANE Select); coding-DNA positions 4557 to 4558, GC replaced by TA.
Protein change: p.Gln1520Lys; replaces glutamine 1520 with lysine.
Molecular consequence: missense variant.
Genome position (GRCh38, 1-based): chr17:31,260,495-31,260,496, GC replaced by TA. VCF-style: chr17-31260495-GC-TA. GRCh37 (hg19) VCF-style: chr17-29587513-GC-TA.
Other names: c.4494_4495delGCinsTA (NM_000267.3); c.4494_4495delGCinsTA, p.Gln1499Lys (NM_000267.4); short protein forms Q1520K, Q1499K.
Identifiers: ClinVar variation 2116730 (VCV002116730.5), dbSNP rs2508421977, ClinGen allele CA2580093259.

ClinVar aggregate classification (germline): Conflicting classifications of pathogenicity. Review status: criteria provided, conflicting classifications (1 of 4 stars). 2 submissions from 2 submitters: Likely pathogenic (1); Uncertain significance (1). Last evaluated 2023-10-20.

Conditions:
Neurofibromatosis, type 1 (NF1). Also called: NEUROFIBROMATOSIS, TYPE I, SOMATIC; Neurofibromatosis, type I; Peripheral type neurofibromatosis; VON RECKLINGHAUSEN DISEASE. Identifiers: Orphanet 636, MedGen C0027831, MONDO:0018975, OMIM 162200. Disease mechanism: loss of function.
Cardiovascular phenotype. Identifiers: MedGen CN230736.
Hereditary cancer-predisposing syndrome. Also called: Tumor predisposition; Hereditary Cancer Syndrome; Neoplastic Syndromes, Hereditary; Hereditary neoplastic syndrome. Identifiers: Orphanet 140162, MedGen C0027672, MeSH D009386, MONDO:0015356.

Submissions (2):

Ambry Genetics
Classification: Likely pathogenic for Cardiovascular phenotype; Hereditary cancer-predisposing syndrome. Last evaluated: 2023-10-20. Review status: criteria provided, single submitter. Criteria: Ambry Variant Classification Scheme 2023. Collection method: clinical testing. Allele origin: germline.
Comment: The c.4494_4495delGCinsTA variant (also known as p.Q1499K), located in coding exon 33 of the NF1 gene, results from an in-frame deletion of GC and insertion of TA at nucleotide positions 4494 to 4495. This results in the substitution of the glutamine residue for a lysine residue at codon 1499, an amino acid with similar properties. This nucleotide position is not well conserved in available vertebrate species. In silico splice site analysis predicts that this alteration will weaken the native splice donor site and will result in the creation or strengthening of a novel splice donor site. RNA studies have demonstrated that this alteration results in abnormal splicing in the set of samples tested (Ambry internal data). This variant is considered to be rare based on population cohorts in the Genome Aggregation Database (gnomAD). Based on the majority of available evidence to date, this variant is likely to be pathogenic.

Labcorp Genetics (formerly Invitae), Labcorp
Classification: Uncertain significance for Neurofibromatosis, type 1. Last evaluated: 2023-07-17. Review status: criteria provided, single submitter. Criteria: Invitae Variant Classification Sherloc (09022015). Collection method: clinical testing. Allele origin: germline.
Comment: In summary, the available evidence is currently insufficient to determine the role of this variant in disease. Therefore, it has been classified as a Variant of Uncertain Significance. This sequence change replaces glutamine, which is neutral and polar, with lysine, which is basic and polar, at codon 1499 of the NF1 protein (p.Gln1499Lys). Information on the frequency of this variant in the gnomAD database is not available, as this variant may be reported differently in the database. This missense change has been observed in individual(s) with neurofibromatosis type 1 (Invitae). ClinVar contains an entry for this variant (Variation ID: 2116730). Experimental studies and prediction algorithms are not available or were not evaluated, and the functional significance of this variant is currently unknown.